The following is an entry in ClinVar:

NM_015272.5(RPGRIP1L):c.972del (p.Cys325fs)

Gene: RPGRIP1L (RPGRIP1 like; minus strand). Cytogenetic location: 16q12.2.
Variant type: Deletion.
Coding change: c.972del on transcript NM_015272.5 (MANE Select); coding-DNA position 972, one base deleted (C; older notation c.972delC).
Protein change: p.Cys325fs; shifts the reading frame from cysteine 325.
Molecular consequence: frameshift variant.
Genome position (GRCh38, 1-based): chr16:53,672,927, G deleted on the plus strand (C on the coding strand, the reverse complement: RPGRIP1L is on the minus strand). VCF-style (leftmost placement, unchanged base first): chr16-53672926-AG-A. GRCh37 (hg19) VCF-style: chr16-53706838-AG-A.
Other names: c.972delC (NM_015272.4); c.972del, p.Cys325fs (NM_001127897.4, NM_001308334.3, NM_001330538.2); short protein forms C325fs.
Identifiers: ClinVar variation 530905 (VCV000530905.17), dbSNP rs757594906, ClinGen allele CA8057966.

ClinVar aggregate classification (germline): Pathogenic/Likely pathogenic. Review status: criteria provided, multiple submitters, no conflicts (2 of 4 stars). 7 submissions from 7 submitters: Pathogenic (1); Likely pathogenic (6). Last evaluated 2026-08-05.

Conditions:
Meckel syndrome, type 5 (MKS5). Identifiers: Orphanet 564, MedGen C1969052, MONDO:0012695, OMIM 611561.
Joubert syndrome 7 (JBTS7). Identifiers: Orphanet 220497, MedGen C1969053, MONDO:0012694, OMIM 611560.
COACH syndrome 3. Identifiers: MedGen C5436841, MONDO:0030862, OMIM 619113.
RPGRIP1L-related disorder. Also called: RPGRIP1L-related condition; RPGRIP1L-related disorders. Identifiers: MedGen CN239416.
Joubert syndrome. Also called: JOUBERT-BOLTSHAUSER SYNDROME; Familial aplasia of the vermis. Identifiers: Orphanet 475, MedGen C5979921, MONDO:0018772.
Meckel-Gruber syndrome. Also called: GRUBER SYNDROME; DYSENCEPHALIA SPLANCHNOCYSTICA; Dysencephalia splachnocystica. Identifiers: Orphanet 564, MedGen C0265215, MONDO:0018921.

Allele frequency attached by ClinVar (database versions not stated): gnomAD exomes below 0.00001; ExAC 0.00002.

Submissions (7):

PreventionGenetics, part of Exact Sciences
Classification: Likely pathogenic for RPGRIP1L-related condition. Last evaluated: 2026-08-05. Review status: criteria provided, single submitter. Criteria: ACMG Guidelines, 2015. Collection method: clinical testing. Allele origin: germline.
Comment: The RPGRIP1L c.972delC variant is predicted to result in a frameshift and premature protein termination (p.Cys325Alafs*10). This variant has been documented in a carrier study for autosomal recessive retinal disease (Table S3 in Hanany et al. 2020. PubMed ID: 31964843). It is reported in one out of ~250,700 alleles in gnomAD. Frameshift variants in RPGRIP1L are expected to be pathogenic. This variant is interpreted as likely pathogenic.

Dasa
Classification: Likely pathogenic. Last evaluated: 2026-01-09. Review status: criteria provided, single submitter. Criteria: DASA Assertion Criteria. Collection method: clinical testing. Allele origin: germline.
Comment: NM_015272.5(RPGRIP1L):c.972del (p.Cys325Alafs*10) is a frameshift variant in RPGRIP1L predicted to alter the reading frame and introduce a premature termination codon and is predicted to result in an absent or altered protein product. Loss of function is an established disease mechanism for RPGRIP1L-associated disorders. Also, this variant is rare in population databases. Based on the currently available evidence, this variant is classified as likely pathogenic.

Labcorp Genetics (formerly Invitae), Labcorp
Classification: Pathogenic for Joubert syndrome; Meckel-Gruber syndrome. Last evaluated: 2025-08-18. Review status: criteria provided, single submitter. Criteria: Invitae Variant Classification Sherloc (09022015). Collection method: clinical testing. Allele origin: germline.
Comment: This sequence change creates a premature translational stop signal (p.Cys325Alafs*10) in the RPGRIP1L gene. It is expected to result in an absent or disrupted protein product. Loss-of-function variants in RPGRIP1L are known to be pathogenic (PMID: 17558409). This variant is present in population databases (rs757594906, gnomAD 0.003%). This variant has not been reported in the literature in individuals affected with RPGRIP1L-related conditions. ClinVar contains an entry for this variant (Variation ID: 530905). For these reasons, this variant has been classified as Pathogenic.

Natera, Inc.
Classification: Likely pathogenic for Joubert syndrome. Last evaluated: 2025-01-28. Review status: criteria provided, single submitter. Criteria: Natera Variant Classification Schema (03/2026). Collection method: clinical testing. Allele origin: germline.
Comment: The c.972delC variant in RPGRIP1L is a frameshift variant predicted to shift the reading frame beginning at codon 325 and leads to a stop codon 10 codons downstream. This variant is expected to result in nonsense mediated decay, truncation, or a dysfunctional protein product. This variant is rare in the general population with a frequency below the threshold expected for the associated phenotype(s). Given the available evidence, this variant is classified as Likely Pathogenic.

GeneDx
Classification: Likely pathogenic. Last evaluated: 2024-03-05. Review status: criteria provided, single submitter. Criteria: GeneDx Variant Classification Process June 2021. Collection method: clinical testing. Allele origin: germline.
Comment: Frameshift variant predicted to result in protein truncation or nonsense mediated decay in a gene for which loss of function is a known mechanism of disease; Not observed at significant frequency in large population cohorts (gnomAD); Has not been previously published as a pathogenic or benign variant to our knowledge; This variant is associated with the following publications: (PMID: 31964843)

Fulgent Genetics
Classification: Likely pathogenic for Joubert syndrome 7; Meckel syndrome, type 5; COACH syndrome 3. Last evaluated: 2021-09-30. Review status: criteria provided, single submitter. Criteria: ACMG Guidelines, 2015. Collection method: clinical testing. Allele origin: unknown.

Blueprint Genetics
Classification: Likely pathogenic for RPGRIP1L-related disorders. Last evaluated: 2021-04-26. Review status: criteria provided, single submitter. Criteria: ACMG Guidelines, 2015. Collection method: clinical testing. Allele origin: germline. Affected: yes. Observed: 2 variant alleles.

Literature cited by the submitters: PubMed 17558409 (cited by Labcorp Genetics (formerly Invitae), Labcorp).